The following is an entry in ClinVar:

NM_007294.4(BRCA1):c.1136T>A (p.Ile379Asn)

Gene: BRCA1 (BRCA1 DNA repair associated; minus strand). Cytogenetic location: 17q21.31.
Variant type: single nucleotide variant.
Coding change: c.1136T>A on transcript NM_007294.4 (MANE Select); coding-DNA position 1136, T replaced by A.
Protein change: p.Ile379Asn; replaces isoleucine 379 with asparagine.
Molecular consequence: missense variant. On other transcripts: intron variant (137).
Genome position (GRCh38, 1-based): chr17:43,094,395, A>T on the plus strand (T>A on the coding strand, the complement: BRCA1 is on the minus strand). VCF-style: chr17-43094395-A-T. GRCh37 (hg19) VCF-style: chr17-41246412-A-T.
Other names: c.800T>A, p.Ile267Asn (NM_001407958.1, NM_001407954.1, NM_001407955.1 and 1 more transcripts); c.755T>A, p.Ile252Asn (NM_001407959.1, NM_001407960.1, NM_001407963.1); c.752T>A, p.Ile251Asn (NM_001407962.1); c.1136T>A, p.Ile379Asn (NM_001407618.1, NM_001407619.1, NM_001407620.1 and 30 more transcripts); c.1133T>A, p.Ile378Asn (NM_001407627.1, NM_001407637.1, NM_001407638.1 and 22 more transcripts); c.1127T>A, p.Ile376Asn (NM_001407646.1, NM_001407647.1); c.1055T>A, p.Ile352Asn (NM_001407659.1, NM_001407660.1, NM_001407661.1 and 1 more transcripts); c.1058T>A, p.Ile353Asn (NM_001407663.1, NM_001407653.1, NM_001407654.1 and 4 more transcripts); and 40 more; short protein forms I268N, I290N, I312N, I251N, I308N, I338N, I352N, I83N.
Identifiers: ClinVar variation 5033193 (VCV005033193.1).
Genomic context (GRCh38, chr17:43,094,395, plus strand): 5'-TGTGAGTCATCAGAACCTAACAGTTCATCACTTCTGGAAAACCACTCATTAACTTTCTGA[A>T]TGCTGCTATTTAGTGTTATCCAAGGAACATCTTCAGTATCTCTAGGATTCTCTGAGCATG-3'
Protein context (NP_009225.1, residues 369-389): DVPWITLNSS[Ile379Asn]QKVNEWFSRS

ClinVar aggregate classification (germline): Uncertain significance (1 of 4 stars; one submission).

Conditions:
Hereditary cancer-predisposing syndrome. Also called: Neoplastic Syndromes, Hereditary; Tumor predisposition; Hereditary neoplastic syndrome; Hereditary Cancer Syndrome. Identifiers: Orphanet 140162, MedGen C0027672, MeSH D009386, MONDO:0015356.

Submission:

Ambry Genetics
Classification: Uncertain significance for Hereditary cancer-predisposing syndrome. Last evaluated: 2026-07-18. Review status: criteria provided, single submitter. Criteria: Ambry Variant Classification Scheme 2023. Collection method: clinical testing. Allele origin: germline.
Comment: The p.I379N variant (also known as c.1136T>A), located in coding exon 9 of the BRCA1 gene, results from a T to A substitution at nucleotide position 1136. The isoleucine at codon 379 is replaced by asparagine, an amino acid with dissimilar properties. This amino acid position is conserved. In addition, this alteration is predicted to be deleterious by in silico analysis. Based on the available evidence, the clinical significance of this variant remains unclear.